The following is an entry in ClinVar:

NM_002133.3(HMOX1):c.667C>T (p.His223Tyr)

Gene: HMOX1 (heme oxygenase 1; plus strand). Cytogenetic location: 22q12.3.
Variant type: single nucleotide variant.
Coding change: c.667C>T on transcript NM_002133.3 (MANE Select); coding-DNA position 667, C replaced by T.
Protein change: p.His223Tyr; replaces histidine 223 with tyrosine.
Molecular consequence: missense variant.
Genome position (GRCh38, 1-based): chr22:35,389,894, C>T. VCF-style: chr22-35389894-C-T. GRCh37 (hg19) VCF-style: chr22-35785887-C-T.
Other names: short protein forms H223Y.
Identifiers: ClinVar variation 1448497 (VCV001448497.4), dbSNP rs199705355, ClinGen allele CA10204791.

ClinVar aggregate classification (germline): Uncertain significance (1 of 4 stars; one submission).

Allele frequency attached by ClinVar (database versions not stated): ExAC 0.00002; gnomAD 0.00007 and 0.00008; 1000 Genomes Project 30x 0.00016; 1000 Genomes Project 0.00020.
gnomAD v4.1: 28 of 1,611,544 alleles (0.0017%); highest among the groups gnomAD compares: African/African-American, 0.029%; no homozygotes.

Submission:

Labcorp Genetics (formerly Invitae), Labcorp
Classification: Uncertain significance. Last evaluated: 2022-08-09. Review status: criteria provided, single submitter. Criteria: Invitae Variant Classification Sherloc (09022015). Collection method: clinical testing. Allele origin: germline.
Comment: This sequence change replaces histidine, which is basic and polar, with tyrosine, which is neutral and polar, at codon 223 of the HMOX1 protein (p.His223Tyr). This variant is present in population databases (rs199705355, gnomAD 0.02%). This variant has not been reported in the literature in individuals affected with HMOX1-related conditions. ClinVar contains an entry for this variant (Variation ID: 1448497). Algorithms developed to predict the effect of missense changes on protein structure and function are either unavailable or do not agree on the potential impact of this missense change (SIFT: "Deleterious"; PolyPhen-2: "Benign"; Align-GVGD: "Class C0"). In summary, the available evidence is currently insufficient to determine the role of this variant in disease. Therefore, it has been classified as a Variant of Uncertain Significance.